The following is an entry in ClinVar:

ClinVar aggregate classification (germline): Uncertain significance. Review status: criteria provided, multiple submitters, no conflicts (2 of 4 stars). 2 submissions from 2 submitters: Uncertain significance (2). Last evaluated 2025-12-03.

Conditions:
Hereditary cancer-predisposing syndrome. Also called: Tumor predisposition; Neoplastic Syndromes, Hereditary; Hereditary Cancer Syndrome; Hereditary neoplastic syndrome. Identifiers: Orphanet 140162, MedGen C0027672, MeSH D009386, MONDO:0015356.

Allele frequency attached by ClinVar (database versions not stated): gnomAD exomes below 0.00001.
gnomAD v4.1: 2 of 1,614,038 alleles (0.00012%); highest among the groups gnomAD compares: South Asian, 0.0011%; no homozygotes.

Submissions (2):

Ambry Genetics
Classification: Uncertain significance for Hereditary cancer-predisposing syndrome. Last evaluated: 2025-12-03. Review status: criteria provided, single submitter. Criteria: Ambry Variant Classification Scheme 2023. Collection method: clinical testing. Allele origin: germline.
Comment: The p.I1905T variant (also known as c.5714T>C), located in coding exon 42 of the POLE gene, results from a T to C substitution at nucleotide position 5714. The isoleucine at codon 1905 is replaced by threonine, an amino acid with similar properties. This amino acid position is conserved. In addition, this alteration is predicted to be deleterious by in silico analysis. Based on the available evidence, the clinical significance of this variant remains unclear.

Labcorp Genetics (formerly Invitae), Labcorp
Classification: Uncertain significance. Last evaluated: 2022-01-15. Review status: criteria provided, single submitter. Criteria: Invitae Variant Classification Sherloc (09022015). Collection method: clinical testing. Allele origin: germline.
Comment: Algorithms developed to predict the effect of missense changes on protein structure and function are either unavailable or do not agree on the potential impact of this missense change (SIFT: "Deleterious"; PolyPhen-2: "Benign"; Align-GVGD: "Class C65"). In summary, the available evidence is currently insufficient to determine the role of this variant in disease. Therefore, it has been classified as a Variant of Uncertain Significance. This variant has not been reported in the literature in individuals affected with POLE-related conditions. This sequence change replaces isoleucine, which is neutral and non-polar, with threonine, which is neutral and polar, at codon 1905 of the POLE protein (p.Ile1905Thr). This variant is not present in population databases (gnomAD no frequency).

NM_006231.4(POLE):c.5714T>C (p.Ile1905Thr)

Gene: POLE (DNA polymerase epsilon, catalytic subunit; minus strand). Cytogenetic location: 12q24.33.
Variant type: single nucleotide variant.
Coding change: c.5714T>C on transcript NM_006231.4 (MANE Select); coding-DNA position 5714, T replaced by C.
Protein change: p.Ile1905Thr; replaces isoleucine 1905 with threonine.
Molecular consequence: missense variant.
Genome position (GRCh38, 1-based): chr12:132,635,989, A>G on the plus strand (T>C on the coding strand, the complement: POLE is on the minus strand). VCF-style: chr12-132635989-A-G. GRCh37 (hg19) VCF-style: chr12-133212575-A-G.
Other names: c.5714T>C (NM_006231.2); short protein forms I1905T.
Identifiers: ClinVar variation 2082949 (VCV002082949.5), dbSNP rs2138486688, ClinGen allele CA387373183.